The following is an entry in ClinVar:

ClinVar aggregate classification (germline): Benign/Likely benign. Review status: criteria provided, multiple submitters, no conflicts (2 of 4 stars). 7 submissions from 7 submitters: Benign (6); Likely benign (1). Last evaluated 2026-02-04.

Conditions:
Ehlers-Danlos syndrome (EDS). Identifiers: Orphanet 98249, MedGen C0013720, MONDO:0020066.
Cardiovascular phenotype. Identifiers: MedGen CN230736.

Allele frequency attached by ClinVar (database versions not stated): gnomAD exomes 0.02579 and 0.03474; ESP Exome Variant Server 0.01536; TOPMed 0.01613; gnomAD 0.01620 and 0.01999; ExAC 0.03726; 1000 Genomes Project 30x 0.03998; 1000 Genomes Project 0.04213.
gnomAD v4.1: 40,820 of 1,613,458 alleles (2.5%); highest among the groups gnomAD compares: South Asian, 13%; 1,362 homozygotes.

Submissions (7):

Labcorp Genetics (formerly Invitae), Labcorp
Classification: Benign. Last evaluated: 2026-02-04. Review status: criteria provided, single submitter. Criteria: Invitae Variant Classification Sherloc (09022015). Collection method: clinical testing. Allele origin: germline.

Women's Health and Genetics/Laboratory Corporation of America, LabCorp
Classification: Likely benign. Last evaluated: 2026-01-22. Review status: criteria provided, single submitter. Criteria: LabCorp Variant Classification Summary - May 2015. Collection method: clinical testing. Allele origin: germline.

Mayo Clinic Laboratories, Mayo Clinic
Classification: Benign. Last evaluated: 2023-01-26. Review status: criteria provided, single submitter. Criteria: ACMG Guidelines, 2015. Collection method: clinical testing. Allele origin: germline. Observed: 129 variant alleles.
Comment: BA1, BP4

Genome Diagnostics Laboratory, The Hospital for Sick Children
Classification: Benign for Ehlers-Danlos syndrome. Last evaluated: 2022-07-09. Review status: criteria provided, single submitter. Criteria: ACMG Guidelines, 2015. Collection method: clinical testing. Allele origin: germline.

Ambry Genetics
Classification: Benign for Cardiovascular phenotype. Last evaluated: 2018-12-31. Review status: criteria provided, single submitter. Criteria: Ambry Variant Classification Scheme 2023. Collection method: clinical testing. Allele origin: germline.

GeneDx
Classification: Benign. Last evaluated: 2018-07-09. Review status: criteria provided, single submitter. Criteria: GeneDx Variant Classification Process June 2021. Collection method: clinical testing. Allele origin: germline. Affected: yes.
Comment: This variant is associated with the following publications: (PMID: 24036952)

PreventionGenetics, part of Exact Sciences
Classification: Benign. Review status: criteria provided, single submitter. Criteria: ACMG Guidelines, 2015. Collection method: clinical testing. Allele origin: germline.

NM_001365276.2(TNXB):c.517G>A (p.Ala173Thr)

Gene: TNXB (tenascin XB; minus strand). Cytogenetic location: 6p21.33.
Variant type: single nucleotide variant.
Coding change: c.517G>A on transcript NM_001365276.2 (MANE Select); coding-DNA position 517, G replaced by A.
Protein change: p.Ala173Thr; replaces alanine 173 with threonine.
Molecular consequence: missense variant.
Genome position (GRCh38, 1-based): chr6:32,097,336, C>T on the plus strand (G>A on the coding strand, the complement: TNXB is on the minus strand). VCF-style: chr6-32097336-C-T. GRCh37 (hg19) VCF-style: chr6-32065113-C-T.
Other names: p.Ala173Thr; c.517G>A, p.Ala173Thr (NM_019105.8); short protein forms A173T.
Identifiers: ClinVar variation 261140 (VCV000261140.12), dbSNP rs61746206, ClinGen allele CA3735835.